The following is an entry in ClinVar:

ClinVar aggregate classification (germline): Uncertain significance (1 of 4 stars; one submission).

Allele frequency attached by ClinVar (database versions not stated): TOPMed 0.00002; gnomAD 0.00003; 1000 Genomes Project 0.00020; 1000 Genomes Project 30x 0.00031.
gnomAD v4.1: 56 of 1,536,198 alleles (0.0036%); highest among the groups gnomAD compares: Non-Finnish European, 0.0044%; no homozygotes.

Submission:

Labcorp Genetics (formerly Invitae), Labcorp
Classification: Uncertain significance. Last evaluated: 2022-05-30. Review status: criteria provided, single submitter. Criteria: Invitae Variant Classification Sherloc (09022015). Collection method: clinical testing. Allele origin: germline.
Comment: This sequence change affects codon 2188 of the C2CD3 mRNA. It is a 'silent' change, meaning that it does not change the encoded amino acid sequence of the C2CD3 protein. This variant is present in population databases (rs569409956, gnomAD 0.005%). This variant has not been reported in the literature in individuals affected with C2CD3-related conditions. Experimental studies and prediction algorithms are not available or were not evaluated, and the effect of this variant on mRNA splicing is currently unknown. In summary, the available evidence is currently insufficient to determine the role of this variant in disease. Therefore, it has been classified as a Variant of Uncertain Significance.

NM_001286577.2(C2CD3):c.6564G>A (p.Thr2188=)

Gene: C2CD3 (C2 domain containing 3 centriole elongation regulator; minus strand). Cytogenetic location: 11q13.4.
Variant type: single nucleotide variant.
Coding change: c.6564G>A on transcript NM_001286577.2 (MANE Select); coding-DNA position 6564, G replaced by A.
Protein change: p.Thr2188=; no amino-acid change (threonine 2188 retained).
Molecular consequence: synonymous variant.
Genome position (GRCh38, 1-based): chr11:74,033,596, C>T on the plus strand (G>A on the coding strand, the complement: C2CD3 is on the minus strand). VCF-style: chr11-74033596-C-T. GRCh37 (hg19) VCF-style: chr11-73744641-C-T.
Identifiers: ClinVar variation 1981072 (VCV001981072.2), dbSNP rs569409956, ClinGen allele CA224505533.